The following is an entry in ClinVar:

ClinVar aggregate classification (germline): Likely benign. Review status: criteria provided, single submitter (1 of 4 stars). 2 submissions from 2 submitters: Likely benign (1). 1 of the submissions does not count toward it. Last evaluated 2024-12-05.

Conditions:
FAT4-related disorder. Also called: FAT4-related condition.

Allele frequency attached by ClinVar (database versions not stated): gnomAD 0.00001; gnomAD exomes 0.00001; TOPMed 0.00001; ExAC 0.00002.
gnomAD v4.1: 6 of 1,613,942 alleles (0.00037%); highest among the groups gnomAD compares: East Asian, 0.013%; no homozygotes.

Submissions (2):

Labcorp Genetics (formerly Invitae), Labcorp
Classification: Likely benign. Last evaluated: 2024-12-05. Review status: criteria provided, single submitter. Criteria: Invitae Variant Classification Sherloc (09022015). Collection method: clinical testing. Allele origin: germline.

PreventionGenetics, part of Exact Sciences
Classification: Likely benign for FAT4-related condition. Last evaluated: 2023-11-22. Review status: no assertion criteria provided. Collection method: clinical testing. Allele origin: germline. Not counted in ClinVar's aggregate classification.
Comment: This variant is classified as likely benign based on ACMG/AMP sequence variant interpretation guidelines (Richards et al. 2015 PMID: 25741868, with internal and published modifications).

NM_001291303.3(FAT4):c.9306G>A (p.Glu3102=)

Gene: FAT4 (FAT atypical cadherin 4; plus strand). Cytogenetic location: 4q28.1.
Variant type: single nucleotide variant.
Coding change: c.9306G>A on transcript NM_001291303.3 (MANE Select); coding-DNA position 9306, G replaced by A.
Protein change: p.Glu3102=; no amino-acid change (glutamic acid 3102 retained).
Molecular consequence: synonymous variant.
Genome position (GRCh38, 1-based): chr4:125,450,316, G>A. VCF-style: chr4-125450316-G-A. GRCh37 (hg19) VCF-style: chr4-126371471-G-A.
Other names: c.9306G>A, p.Glu3102= (NM_001291285.3); c.9300G>A, p.Glu3100= (NM_024582.6).
Identifiers: ClinVar variation 3029232 (VCV003029232.4), dbSNP rs752903305, ClinGen allele CA3073504.